The following is an entry in ClinVar:

NM_000245.4(MET):c.183C>T (p.His61=)

Gene: MET (MET proto-oncogene, receptor tyrosine kinase; plus strand). Cytogenetic location: 7q31.2.
Variant type: single nucleotide variant.
Coding change: c.183C>T on transcript NM_000245.4 (MANE Select); coding-DNA position 183, C replaced by T.
Protein change: p.His61=; no amino-acid change (histidine 61 retained).
Molecular consequence: synonymous variant. On other transcripts: intron variant (1).
Genome position (GRCh38, 1-based): chr7:116,699,267, C>T. VCF-style: chr7-116699267-C-T. GRCh37 (hg19) VCF-style: chr7-116339321-C-T.
Other names: c.183C>T, p.His61= (NM_001127500.3, NM_001324401.3); c.-91+26690C>T (NM_001324402.2).
Identifiers: ClinVar variation 3696940 (VCV003696940.4).

ClinVar aggregate classification (germline): Benign/Likely benign. Review status: criteria provided, multiple submitters, no conflicts (2 of 4 stars). 3 submissions from 3 submitters: Benign (1); Likely benign (2). Last evaluated 2025-04-04.

Conditions:
Renal cell carcinoma. Identifiers: Orphanet 217071, MedGen C0007134, MeSH D002292, MONDO:0005086, HP:0005584.
Papillary renal cell carcinoma type 1 (RCCP1). Also called: RENAL CELL CARCINOMA, PAPILLARY, 1, SOMATIC; Renal cell carcinoma, somatic; Renal adenocarcinoma; Renal cell carcinoma 1. Identifiers: Orphanet 47044, MedGen C1336839, OMIM 605074, HP:0011797.
Hereditary cancer-predisposing syndrome. Also called: Tumor predisposition; Neoplastic Syndromes, Hereditary; Hereditary Cancer Syndrome; Hereditary neoplastic syndrome. Identifiers: Orphanet 140162, MedGen C0027672, MeSH D009386, MONDO:0015356.

gnomAD v4.1: 1 of 1,614,000 alleles (0.000062%); highest among the groups gnomAD compares: Non-Finnish European, 0.000085%; no homozygotes.

Submissions (3):

Ambry Genetics
Classification: Likely benign for Hereditary cancer-predisposing syndrome. Last evaluated: 2025-04-04. Review status: criteria provided, single submitter. Criteria: Ambry Variant Classification Scheme 2023. Collection method: clinical testing. Allele origin: germline.

Myriad Genetics, Inc.
Classification: Benign for Papillary renal cell carcinoma type 1. Last evaluated: 2024-11-06. Review status: criteria provided, single submitter. Criteria: Myriad Autosomal Dominant, Autosomal Recessive and X-Linked Classification Criteria (2023). Collection method: clinical testing. Allele origin: unknown.
Comment: This variant is considered benign. This variant is a silent/synonymous amino acid change and it is not expected to impact splicing.

Labcorp Genetics (formerly Invitae), Labcorp
Classification: Likely benign for Renal cell carcinoma. Last evaluated: 2024-09-09. Review status: criteria provided, single submitter. Criteria: Invitae Variant Classification Sherloc (09022015). Collection method: clinical testing. Allele origin: germline.